The following is an entry in ClinVar:

ClinVar aggregate classification (germline): Uncertain significance. Review status: criteria provided, multiple submitters, no conflicts (2 of 4 stars). 3 submissions from 3 submitters: Uncertain significance (3). Last evaluated 2026-01-19.

Conditions:
Inborn genetic diseases. Identifiers: MedGen C0950123, MeSH D030342.

Allele frequency attached by ClinVar (database versions not stated): gnomAD 0.00001; TOPMed 0.00003; ExAC 0.00004.
gnomAD v4.1: 7 of 1,559,772 alleles (0.00045%); highest among the groups gnomAD compares: East Asian, 0.0071%; no homozygotes.

Submissions (3):

Labcorp Genetics (formerly Invitae), Labcorp
Classification: Uncertain significance. Last evaluated: 2026-01-19. Review status: criteria provided, single submitter. Criteria: Invitae Variant Classification Sherloc (09022015). Collection method: clinical testing. Allele origin: germline.
Comment: This sequence change replaces arginine, which is basic and polar, with leucine, which is neutral and non-polar, at codon 65 of the SDHAF1 protein (p.Arg65Leu). The frequency data for this variant in the population databases is considered unreliable, as metrics indicate poor data quality at this position in the gnomAD database. This variant has not been reported in the literature in individuals affected with SDHAF1-related conditions. ClinVar contains an entry for this variant (Variation ID: 3158921). An algorithm developed to predict the effect of missense changes on protein structure and function (PolyPhen-2) suggests that this variant is likely to be disruptive. In summary, the available evidence is currently insufficient to determine the role of this variant in disease. Therefore, it has been classified as a Variant of Uncertain Significance.

Ambry Genetics
Classification: Uncertain significance for Inborn genetic diseases. Last evaluated: 2024-01-03. Review status: criteria provided, single submitter. Criteria: Ambry Variant Classification Scheme 2023. Collection method: clinical testing. Allele origin: germline.

Blueprint Genetics
Classification: Uncertain significance. Last evaluated: 2022-03-31. Review status: criteria provided, single submitter. Criteria: ACMG Guidelines, 2015. Collection method: clinical testing. Allele origin: germline.

NM_001042631.3(SDHAF1):c.194G>T (p.Arg65Leu)

Genes: SDHAF1 (succinate dehydrogenase complex assembly factor 1; plus strand), LOC130064280 (ATAC-STARR-seq lymphoblastoid silent region 10545; plus strand). Cytogenetic location: 19q13.12.
Variant type: single nucleotide variant.
Coding change: c.194G>T on transcript NM_001042631.3 (MANE Select); coding-DNA position 194, G replaced by T.
Protein change: p.Arg65Leu; replaces arginine 65 with leucine.
Molecular consequence: missense variant.
Genome position (GRCh38, 1-based): chr19:35,995,468, G>T. VCF-style: chr19-35995468-G-T. GRCh37 (hg19) VCF-style: chr19-36486370-G-T.
Other names: short protein forms R65L.
Identifiers: ClinVar variation 3158921 (VCV003158921.3), dbSNP rs760479353, ClinGen allele CA9393683.